The following is an entry in ClinVar:

ClinVar aggregate classification (germline): Uncertain significance (1 of 4 stars; one submission).

Submission:

Labcorp Genetics (formerly Invitae), Labcorp
Classification: Uncertain significance. Last evaluated: 2024-06-08. Review status: criteria provided, single submitter. Criteria: Invitae Variant Classification Sherloc (09022015). Collection method: clinical testing. Allele origin: germline.
Comment: This sequence change replaces alanine, which is neutral and non-polar, with glycine, which is neutral and non-polar, at codon 143 of the THBD protein (p.Ala143Gly). This variant is not present in population databases (gnomAD no frequency). This variant has not been reported in the literature in individuals affected with THBD-related conditions. ClinVar contains an entry for this variant (Variation ID: 1984857). Advanced modeling of protein sequence and biophysical properties (such as structural, functional, and spatial information, amino acid conservation, physicochemical variation, residue mobility, and thermodynamic stability) performed at Invitae indicates that this missense variant is not expected to disrupt THBD protein function with a negative predictive value of 80%. In summary, the available evidence is currently insufficient to determine the role of this variant in disease. Therefore, it has been classified as a Variant of Uncertain Significance.

NM_000361.3(THBD):c.428C>G (p.Ala143Gly)

Gene: THBD (thrombomodulin; minus strand). Cytogenetic location: 20p11.21.
Variant type: single nucleotide variant.
Coding change: c.428C>G on transcript NM_000361.3 (MANE Select); coding-DNA position 428, C replaced by G.
Protein change: p.Ala143Gly; replaces alanine 143 with glycine.
Molecular consequence: missense variant.
Genome position (GRCh38, 1-based): chr20:23,049,077, G>C on the plus strand (C>G on the coding strand, the complement: THBD is on the minus strand). VCF-style: chr20-23049077-G-C. GRCh37 (hg19) VCF-style: chr20-23029714-G-C.
Other names: short protein forms A143G.
Identifiers: ClinVar variation 1984857 (VCV001984857.4), dbSNP rs1447444331, ClinGen allele CA408407709.